The following is an entry in ClinVar:

ClinVar aggregate classification (germline): Pathogenic (1 of 4 stars; one submission).

Submission:

Labcorp Genetics (formerly Invitae), Labcorp
Classification: Pathogenic. Last evaluated: 2025-06-10. Review status: criteria provided, single submitter. Criteria: Invitae Variant Classification Sherloc (09022015). Collection method: clinical testing. Allele origin: germline.
Comment: This sequence change creates a premature translational stop signal (p.Glu3553*) in the ZNF469 gene. While this is not anticipated to result in nonsense mediated decay, it is expected to disrupt the last 373 amino acid(s) of the ZNF469 protein. This variant is not present in population databases (gnomAD no frequency). This variant has not been reported in the literature in individuals affected with ZNF469-related conditions. This variant disrupts a region of the ZNF469 protein in which other variant(s) (p.Pro3556Glnfs*136) have been determined to be pathogenic (PMID: 32671420). This suggests that this is a clinically significant region of the protein, and that variants that disrupt it are likely to be disease-causing. For these reasons, this variant has been classified as Pathogenic.

Literature cited by the submitters: PubMed 32671420.

NM_001367624.2(ZNF469):c.10741G>T (p.Glu3581Ter)

Gene: ZNF469 (zinc finger protein 469; plus strand). Cytogenetic location: 16q24.2.
Variant type: single nucleotide variant.
Coding change: c.10741G>T on transcript NM_001367624.2 (MANE Select); coding-DNA position 10741, G replaced by T.
Protein change: p.Glu3581Ter; replaces glutamic acid 3581 with a stop codon.
Molecular consequence: nonsense.
Genome position (GRCh38, 1-based): chr16:88,438,211, G>T. VCF-style: chr16-88438211-G-T. GRCh37 (hg19) VCF-style: chr16-88504619-G-T.
Other names: short protein forms E3581*.
Identifiers: ClinVar variation 4716629 (VCV004716629.1).
Genomic context (GRCh38, chr16:88,438,211, plus strand): 5'-GCCTTGGCTGATGGCAGAGGAGACTGCGCGCTGGACGGAGCCCTGGAGAGGCCAGAGAAC[G>T]AGGCTTCCCCAGGCAGCCCCGGGCCTCTTCTCCAGCAAGCTCTCCCTCTGGGGGCATCTC-3'